The following is an entry in ClinVar:

ClinVar aggregate classification (germline): Uncertain significance (1 of 4 stars; one submission).

Allele frequency attached by ClinVar (database versions not stated): ExAC 0.00001; gnomAD exomes 0.00002; TOPMed 0.00003; ESP Exome Variant Server 0.00008.
gnomAD v4.1: 22 of 1,611,796 alleles (0.0014%); highest among the groups gnomAD compares: South Asian, 0.0022%; no homozygotes.

Submission:

Labcorp Genetics (formerly Invitae), Labcorp
Classification: Uncertain significance. Last evaluated: 2025-09-08. Review status: criteria provided, single submitter. Criteria: Invitae Variant Classification Sherloc (09022015). Collection method: clinical testing. Allele origin: germline.
Comment: This sequence change replaces arginine, which is basic and polar, with histidine, which is basic and polar, at codon 2608 of the DCHS1 protein (p.Arg2608His). This variant is present in population databases (rs374433580, gnomAD 0.007%). This variant has not been reported in the literature in individuals affected with DCHS1-related conditions. ClinVar contains an entry for this variant (Variation ID: 2069212). Invitae Evidence Modeling of protein sequence and biophysical properties (such as structural, functional, and spatial information, amino acid conservation, physicochemical variation, residue mobility, and thermodynamic stability) indicates that this missense variant is not expected to disrupt DCHS1 protein function with a negative predictive value of 80%. In summary, the available evidence is currently insufficient to determine the role of this variant in disease. Therefore, it has been classified as a Variant of Uncertain Significance.

NM_003737.4(DCHS1):c.7823G>A (p.Arg2608His)

Gene: DCHS1 (dachsous cadherin-related 1; minus strand). Cytogenetic location: 11p15.4.
Variant type: single nucleotide variant.
Coding change: c.7823G>A on transcript NM_003737.4 (MANE Select); coding-DNA position 7823, G replaced by A.
Protein change: p.Arg2608His; replaces arginine 2608 with histidine.
Molecular consequence: missense variant.
Genome position (GRCh38, 1-based): chr11:6,623,853, C>T on the plus strand (G>A on the coding strand, the complement: DCHS1 is on the minus strand). VCF-style: chr11-6623853-C-T. GRCh37 (hg19) VCF-style: chr11-6645084-C-T.
Other names: short protein forms R2608H.
Identifiers: ClinVar variation 2069212 (VCV002069212.4), dbSNP rs374433580, ClinGen allele CA5859536.